The following is an entry in ClinVar:

NM_000426.4(LAMA2):c.9142G>A (p.Ala3048Thr)

Gene: LAMA2 (laminin subunit alpha 2; plus strand). Cytogenetic location: 6q22.33.
Variant type: single nucleotide variant.
Coding change: c.9142G>A on transcript NM_000426.4 (MANE Select); coding-DNA position 9142, G replaced by A.
Protein change: p.Ala3048Thr; replaces alanine 3048 with threonine.
Molecular consequence: missense variant.
Genome position (GRCh38, 1-based): chr6:129,514,526, G>A. VCF-style: chr6-129514526-G-A. GRCh37 (hg19) VCF-style: chr6-129835671-G-A.
Other names: c.9142G>A (NM_000426.3); c.9130G>A, p.Ala3044Thr (NM_001079823.2); short protein forms A3044T, A3048T.
Identifiers: ClinVar variation 1377978 (VCV001377978.8), dbSNP rs550370351, ClinGen allele CA3995044.

ClinVar aggregate classification (germline): Uncertain significance. Review status: criteria provided, multiple submitters, no conflicts (2 of 4 stars). 2 submissions from 2 submitters: Uncertain significance (2). Last evaluated 2022-09-01.

Conditions:
LAMA2-related muscular dystrophy (LAMA2-RD). Also called: Laminin alpha 2-related dystrophy. Identifiers: MedGen C5679788, MONDO:0100228.

Allele frequency attached by ClinVar (database versions not stated): gnomAD exomes below 0.00001; ExAC 0.00001; gnomAD 0.00001; 1000 Genomes Project 0.00020; 1000 Genomes Project 30x 0.00031.
gnomAD v4.1: 8 of 1,614,122 alleles (0.0005%); highest among the groups gnomAD compares: African/African-American, 0.0053%; no homozygotes.

Submissions (2):

Revvity Omics, Revvity
Classification: Uncertain significance. Last evaluated: 2022-09-01. Review status: criteria provided, single submitter. Criteria: ACMG Guidelines, 2015. Collection method: clinical testing. Allele origin: germline.

Labcorp Genetics (formerly Invitae), Labcorp
Classification: Uncertain significance for LAMA2-related muscular dystrophy. Last evaluated: 2021-11-20. Review status: criteria provided, single submitter. Criteria: Invitae Variant Classification Sherloc (09022015). Collection method: clinical testing. Allele origin: germline.
Comment: In summary, the available evidence is currently insufficient to determine the role of this variant in disease. Therefore, it has been classified as a Variant of Uncertain Significance. Advanced modeling of protein sequence and biophysical properties (such as structural, functional, and spatial information, amino acid conservation, physicochemical variation, residue mobility, and thermodynamic stability) performed at Invitae indicates that this missense variant is not expected to disrupt LAMA2 protein function. This variant has not been reported in the literature in individuals affected with LAMA2-related conditions. This variant is present in population databases (rs550370351, gnomAD 0.007%). This sequence change replaces alanine, which is neutral and non-polar, with threonine, which is neutral and polar, at codon 3048 of the LAMA2 protein (p.Ala3048Thr).